The following is an entry in ClinVar:

ClinVar aggregate classification (germline): Uncertain significance (1 of 4 stars; one submission).

Conditions:
Nephronophthisis. Also called: Juvenile Nephronophthisis. Identifiers: Orphanet 655, MedGen C0687120, MONDO:0019005, HP:0000090.

Allele frequency attached by ClinVar (database versions not stated): TOPMed below 0.00001; ExAC 0.00001; gnomAD 0.00001; gnomAD exomes 0.00001 and 0.00002.
gnomAD v4.1: 30 of 1,613,974 alleles (0.0019%); highest among the groups gnomAD compares: Non-Finnish European, 0.002%; no homozygotes.

Submission:

Labcorp Genetics (formerly Invitae), Labcorp
Classification: Uncertain significance for Nephronophthisis. Last evaluated: 2022-04-29. Review status: criteria provided, single submitter. Criteria: Invitae Variant Classification Sherloc (09022015). Collection method: clinical testing. Allele origin: germline.
Comment: This sequence change replaces isoleucine, which is neutral and non-polar, with valine, which is neutral and non-polar, at codon 350 of the INVS protein (p.Ile350Val). This variant is present in population databases (rs767638762, gnomAD 0.002%). This variant has not been reported in the literature in individuals affected with INVS-related conditions. ClinVar contains an entry for this variant (Variation ID: 1057180). Algorithms developed to predict the effect of missense changes on protein structure and function (SIFT, PolyPhen-2, Align-GVGD) all suggest that this variant is likely to be tolerated. In summary, the available evidence is currently insufficient to determine the role of this variant in disease. Therefore, it has been classified as a Variant of Uncertain Significance.

NM_014425.5(INVS):c.1048A>G (p.Ile350Val)

Gene: INVS (inversin; plus strand). Cytogenetic location: 9q31.1.
Variant type: single nucleotide variant.
Coding change: c.1048A>G on transcript NM_014425.5 (MANE Select); coding-DNA position 1048, A replaced by G.
Protein change: p.Ile350Val; replaces isoleucine 350 with valine.
Molecular consequence: missense variant. On other transcripts: non-coding transcript variant (1).
Genome position (GRCh38, 1-based): chr9:100,246,757, A>G. VCF-style: chr9-100246757-A-G. GRCh37 (hg19) VCF-style: chr9-103009039-A-G.
Other names: c.760A>G, p.Ile254Val (NM_001318381.2); c.70A>G, p.Ile24Val (NM_001318382.2); short protein forms I24V, I254V, I350V.
Identifiers: ClinVar variation 1057180 (VCV001057180.6), dbSNP rs767638762, ClinGen allele CA5158310.